The following is an entry in ClinVar:

NM_006767.4(LZTR1):c.1943-256C>T

Gene: LZTR1 (leucine zipper like post translational regulator 1; plus strand). Cytogenetic location: 22q11.21.
Variant type: single nucleotide variant.
Coding change: c.1943-256C>T on transcript NM_006767.4 (MANE Select); 256 bases into the intron before coding-DNA position 1943, C replaced by T.
Molecular consequence: intron variant.
Genome position (GRCh38, 1-based): chr22:20,995,490, C>T. VCF-style: chr22-20995490-C-T. GRCh37 (hg19) VCF-style: chr22-21349779-C-T.
Other names: 1943-256C-T.
Identifiers: ClinVar variation 522800 (VCV000522800.33), dbSNP rs761685529, ClinGen allele CA10119150.

ClinVar aggregate classification (germline): Pathogenic. Review status: reviewed by expert panel (3 of 4 stars). 19 submissions from 19 submitters: Pathogenic (1). 18 of the submissions do not count toward it. Last evaluated 2024-12-03.

Conditions:
Multiple congenital anomalies/dysmorphic syndrome-intellectual disability. Identifiers: Orphanet 102283, MedGen C5680372, MONDO:0015159.
LZTR1-related schwannomatosis. Also called: Schwannomatosis 2; Schwannomatosis-2, susceptibility to. Identifiers: Orphanet 93921, MedGen C3810283, MONDO:0014299, OMIM 615670.
Noonan syndrome 2 (NS2). Identifiers: Orphanet 648, MedGen C1854469, MONDO:0011531, OMIM 605275.
Cardiovascular phenotype. Identifiers: MedGen CN230736.
Hereditary cancer-predisposing syndrome. Also called: Hereditary Cancer Syndrome; Neoplastic Syndromes, Hereditary; Hereditary neoplastic syndrome; Tumor predisposition. Identifiers: Orphanet 140162, MedGen C0027672, MeSH D009386, MONDO:0015356.
RASopathy. Also called: Noonan spectrum disorder; rasopathies. Identifiers: Orphanet 536391, MedGen C5555857, MONDO:0021060.
Noonan syndrome (NS). Also called: Noonan's syndrome. Identifiers: Orphanet 648, MedGen C0028326, MeSH D009634, MONDO:0018997. Disease mechanism: gain of function.

Allele frequency attached by ClinVar (database versions not stated): gnomAD exomes 0.00004 and 0.00008; ExAC 0.00008; gnomAD 0.00008 and 0.00009; TOPMed 0.00009.
gnomAD v4.1: 53 of 668,844 alleles (0.0079%); highest among the groups gnomAD compares: African/African-American, 0.014%; no homozygotes.

Submissions 1 to 7 of 19:

ClinGen RASopathy Variant Curation Expert Panel
Classification: Pathogenic for RASopathy. Last evaluated: 2024-12-03. Review status: reviewed by expert panel. Criteria: ClinGen RASopathy ACMG Specifications LZTR1 V1.3.0. Collection method: curation. Allele origin: germline. Inheritance: Autosomal recessive inheritance.
Comment: The c.1943-256C>T (p.T648fs*36) variant in LZTR1 is a nonsense variant predicted to cause a premature stop codon in biologically-relevant-exon 17/21 is predicted to lead to nonsense mediated decay in a gene in which loss-of-function is an established disease mechanism (PVS1). The highest population minor allele frequency in gnomAD v2.1.1 is 0.00001557 (2/22704 alleles) in the South Asian population, which is lower than the ClinGen RASopathy VCEP threshold (≤0.000025) for PM2_Supporting, meeting this criterion (PM2_Supporting). This variant has been detected in 4 individuals with RASopathy. All were compound heterozygous for the variant and a pathogenic or likely pathogenic variant and 3 of those were confirmed in trans by parental testing (c.27dup (p.Gln10Alafs*24), c.1030del (p.Ser344fs), c.2178C>A (p.Tyr726Ter), c.27dupG (p.Gln10Alafs*24), 3.5 PM3 points, PMIDs: 29469822 and 32623905, SCV000748478.4, SCV001445973.1, GeneDx, Broad Center for Mendelian Genomics) (PM3_Strong). The variant has been reported to segregate with RASopathy in ≥7 affected meioses from 4 families (PP1_Strong; PMIDs: 29469822 and 32623905, SCV000748478.4, SCV001445973.1, GeneDx, Broad Center for Mendelian Genomics). ERK activation assay in patient-specific cardiomyocytes showed significantly increased levels of phosphorylated ERK indicating that this variant impacts protein function (PMID:32623905)(PS3_Supporting). In summary, this variant meets the criteria to be classified as pathogenic for autosomal recessive RASopathy based on the ACMG/AMP criteria applied, as specified by the ClinGen RASopathy VCEP: PVS1, PM3_Strong, PP1_Strong, PS3_Supporting, PM2_Supporting. (ClinGen RASopathy VCEP specifications version 1.3; 12/3/2024)

Victorian Clinical Genetics Services, Murdoch Childrens Research Institute
Classification: Pathogenic for Noonan syndrome 2. Last evaluated: 2026-05-10. Review status: criteria provided, single submitter. Criteria: ACMG Guidelines, 2015. Collection method: clinical testing. Allele origin: germline. Affected: yes. Not counted in ClinVar's aggregate classification.
Comment: This variant is classified as Pathogenic. Evidence in support of pathogenic classification: Non-coding variant with predicted effect. This variant has been shown to result in the recognition of an additional donor splice site leading to the introduction of a cryptic exon between exon 16 and exon 17, and therefore, is expected to result in the production of a non-functional protein (PMIDs: 38333672, 29469822); Variant is present in gnomAD <0.01 (v4: 53 heterozygote(s), 0 homozygote(s)); This variant has strong previous evidence of pathogenicity in unrelated individuals. This variant has been classified as pathogenic by the ClinGen RASopathy Variant Curation Expert Panel (ClinVar), and reported in the literature in homozygous and compound heterozygous individuals with Noonan syndrome (PMID: 29469822). Additional information: This variant is heterozygous; This gene is associated with both recessive and dominant disease; Loss of function is a known mechanism of disease in this gene and is associated with autosomal recessive Noonan syndrome 2 (MIM#605275). Dominant negative is the suspected mechanism for autosomal dominant Noonan syndrome 10 (MIM#616564).

3billion
Classification: Pathogenic for Noonan syndrome 2. Last evaluated: 2026-01-23. Review status: criteria provided, single submitter. Criteria: ACMG Guidelines, 2015. Collection method: clinical testing. Allele origin: germline. Affected: yes. Not counted in ClinVar's aggregate classification.
Comment: The variant is observed at an extremely low frequency in the gnomAD v4.1.0 dataset (total allele frequency: 0.008%). Predicted Consequence/Location: Intron variant Functional studies provide supporting evidence of the variant having a damaging effect on the gene or gene product (PMID: 29469822). In silico tools predict the variant to alter splicing and produce an abnormal transcript [SpliceAI: 0.34 (>=0.2, moderate evidence for spliceogenicity)]. The variant has been reported to be in trans with a pathogenic variant as either compound heterozygous or homozygous in at least 2 similarly affected unrelated individuals (PMID: 29469822). The variant has been reported to co-segregate with the disease in at least 5 similarly affected relatives/individuals in the same family or similarly affected unrelated families (PMID: 29469822, 32623905). The variant has been reported multiple times as an established pathogenic variant (ClinVar ID: VCV000522800 /PMID: 29469822 /3billion dataset). Therefore, this variant is classified as Pathogenic according to the recommendation of ACMG/AMP guideline.

Labcorp Genetics (formerly Invitae), Labcorp
Classification: Pathogenic. Last evaluated: 2026-01-13. Review status: criteria provided, single submitter. Criteria: Invitae Variant Classification Sherloc (09022015). Collection method: clinical testing. Allele origin: germline. Not counted in ClinVar's aggregate classification.
Comment: This sequence change falls in intron 16 of the LZTR1 gene. It does not directly change the encoded amino acid sequence of the LZTR1 protein. RNA analysis indicates that this variant induces altered splicing and may result in an absent or altered protein product. This variant is present in population databases (rs761685529, gnomAD 0.02%). This variant has been observed in individuals with Noonan syndrome (PMID: 29469822, 32623905). ClinVar contains an entry for this variant (Variation ID: 522800). Studies have shown that this variant results in activation of a cryptic splice site, and produces a non-functional protein and/or introduces a premature termination codon (PMID: 29469822, 32623905). For these reasons, this variant has been classified as Pathogenic.

Variantyx, Inc.
Classification: Pathogenic for Noonan syndrome 2. Last evaluated: 2026-01-06. Review status: criteria provided, single submitter. Criteria: Variantyx Assertion Criteria 2022. Collection method: clinical testing. Allele origin: germline. Inheritance: Autosomal recessive inheritance. Affected: yes. Not counted in ClinVar's aggregate classification.
Comment: This is an intronic variant in the LZTR1 gene (OMIM: 600574). Pathogenic variants in this gene have been associated with autosomal recessive Noonan syndrome 2. This variant has been identified in the homozygous or compound heterozygous state in the current proband and in many unrelated affected individuals (PMID: 29469822, 32623905, 39144424) (PM3), and has been observed to segregate with disease in at least 2 individuals from 2 families (PMID: 29469822, 32623905) (PP1). The alteration activates a cryptic splice site and produces a nonfunctional protein (PMID: 29469822, 32623905, 33001864) (PVS1). This variant has a 0.0143% maximum allele frequency in non-founder control populations (PM2). Based on the curent evidence, this variant is classified as pathogenic for autosomal recessive Noonan syndrome 2.

Dasa
Classification: Pathogenic. Last evaluated: 2025-11-08. Review status: criteria provided, single submitter. Criteria: DASA Assertion Criteria. Collection method: clinical testing. Allele origin: germline. Not counted in ClinVar's aggregate classification.
Comment: NM_006767.4(LZTR1):c.1943-256C>T introduces a premature termination codon predicted to result in loss of normal protein function. Loss-of-function is an established mechanism of disease for this gene. Segregation evidence has been reported in affected families. This variant has been observed in affected individuals with related phenotype in a genotype context consistent with recessive disease (PMID: 29469822; PMID: 32623905). Functional evidence supports a deleterious effect on the gene or gene product (PMID: 29469822; PMID: 32623905). This variant has been recurrently observed in individuals with related phenotype (PMID: 29469822; PMID: 32623905). The variant is present at low frequency in population datasets. Based on the available data, this variant is classified as pathogenic.

Revvity Omics, Revvity
Classification: Pathogenic. Last evaluated: 2025-03-25. Review status: criteria provided, single submitter. Criteria: ACMG Guidelines, 2015. Collection method: clinical testing. Allele origin: germline. Not counted in ClinVar's aggregate classification.